The following is an entry in ClinVar:

NM_001040716.2(PC):c.3505G>T (p.Glu1169Ter)

Gene: PC (pyruvate carboxylase; minus strand). Cytogenetic location: 11q13.2.
Variant type: single nucleotide variant.
Coding change: c.3505G>T on transcript NM_001040716.2 (MANE Select); coding-DNA position 3505, G replaced by T.
Protein change: p.Glu1169Ter; replaces glutamic acid 1169 with a stop codon.
Molecular consequence: nonsense.
Genome position (GRCh38, 1-based): chr11:66,848,931, C>A on the plus strand (G>T on the coding strand, the complement: PC is on the minus strand). VCF-style: chr11-66848931-C-A. GRCh37 (hg19) VCF-style: chr11-66616402-C-A.
Other names: c.3505G>T, p.Glu1169Ter (NM_000920.4, NM_001439352.1, NM_001439353.1 and 5 more transcripts); short protein forms E1169*.
Identifiers: ClinVar variation 5003679 (VCV005003679.1).

ClinVar aggregate classification (germline): Uncertain significance (1 of 4 stars; one submission).

Conditions:
Pyruvate carboxylase deficiency. Also called: PC DEFICIENCY; ATAXIA WITH LACTIC ACIDOSIS II; LEIGH NECROTIZING ENCEPHALOPATHY DUE TO PYRUVATE CARBOXYLASE DEFICIENCY; LEIGH SYNDROME DUE TO PYRUVATE CARBOXYLASE DEFICIENCY; Pyruvate Carboxylase Deficiency Disease. Identifiers: Orphanet 3008, MedGen C0034341, MONDO:0009949, OMIM 266150.

Submission:

Myriad Genetics, Inc.
Classification: Uncertain significance for Pyruvate carboxylase deficiency. Last evaluated: 2026-05-07. Review status: criteria provided, single submitter. Criteria: Myriad Autosomal Dominant, Autosomal Recessive and X-Linked Classification Criteria (2023). Collection method: clinical testing. Allele origin: unknown.
Comment: NM_000920.3(PC):c.3505G>T(E1169*) is a nonsense variant classified as a variant of uncertain significance in the context of pyruvate carboxylase deficiency. E1169* has not been observed in cases with relevant disease. Relevant functional assessments of this variant are not available in the literature. E1169* has not been observed in referenced population frequency databases. In summary, there is insufficient evidence to classify NM_000920.3(PC):c.3505G>T(E1169*) as pathogenic or benign. Please note: this variant was assessed in the context of healthy population screening.